The following is an entry in ClinVar:

ClinVar aggregate classification (germline): Uncertain significance. Review status: criteria provided, multiple submitters, no conflicts (2 of 4 stars). 3 submissions from 3 submitters: Uncertain significance (3). Last evaluated 2025-12-15.

Conditions:
Inborn genetic diseases. Identifiers: MedGen C0950123, MeSH D030342.

Allele frequency attached by ClinVar (database versions not stated): TOPMed 0.00002; gnomAD 0.00005.
gnomAD v4.1: 59 of 1,614,014 alleles (0.0037%); highest among the groups gnomAD compares: Non-Finnish European, 0.0049%; no homozygotes.

Submissions (3):

Labcorp Genetics (formerly Invitae), Labcorp
Classification: Uncertain significance. Last evaluated: 2025-12-15. Review status: criteria provided, single submitter. Criteria: Invitae Variant Classification Sherloc (09022015). Collection method: clinical testing. Allele origin: germline.
Comment: This sequence change replaces glycine, which is neutral and non-polar, with cysteine, which is neutral and slightly polar, at codon 644 of the NLRP1 protein (p.Gly644Cys). This variant is present in population databases (rs750702976, gnomAD 0.006%). This variant has not been reported in the literature in individuals affected with NLRP1-related conditions. ClinVar contains an entry for this variant (Variation ID: 1425018). An algorithm developed to predict the effect of missense changes on protein structure and function (PolyPhen-2) suggests that this variant is likely to be tolerated. In summary, the available evidence is currently insufficient to determine the role of this variant in disease. Therefore, it has been classified as a Variant of Uncertain Significance.

Blueprint Genetics
Classification: Uncertain significance. Last evaluated: 2024-08-27. Review status: criteria provided, single submitter. Criteria: ACMG Guidelines, 2015. Collection method: clinical testing. Allele origin: germline.

Ambry Genetics
Classification: Uncertain significance for Inborn genetic diseases. Last evaluated: 2023-12-13. Review status: criteria provided, single submitter. Criteria: Ambry Variant Classification Scheme 2023. Collection method: clinical testing. Allele origin: germline.

NM_033004.4(NLRP1):c.1930G>T (p.Gly644Cys)

Gene: NLRP1 (NLR family pyrin domain containing 1; minus strand). Cytogenetic location: 17p13.2.
Variant type: single nucleotide variant.
Coding change: c.1930G>T on transcript NM_033004.4 (MANE Select); coding-DNA position 1930, G replaced by T.
Protein change: p.Gly644Cys; replaces glycine 644 with cysteine.
Molecular consequence: missense variant.
Genome position (GRCh38, 1-based): chr17:5,558,766, C>A on the plus strand (G>T on the coding strand, the complement: NLRP1 is on the minus strand). VCF-style: chr17-5558766-C-A. GRCh37 (hg19) VCF-style: chr17-5462086-C-A.
Other names: c.1930G>T (NM_033004.3); c.1930G>T, p.Gly644Cys (NM_001033053.3, NM_014922.5, NM_033006.4 and 1 more transcripts); short protein forms G644C.
Identifiers: ClinVar variation 1425018 (VCV001425018.8), dbSNP rs750702976, ClinGen allele CA8327300.